The following is an entry in ClinVar:

ClinVar aggregate classification (germline): Benign/Likely benign. Review status: criteria provided, multiple submitters, no conflicts (2 of 4 stars). 4 submissions from 4 submitters: Benign (2); Likely benign (1). 1 of the submissions does not count toward it. Last evaluated 2026-01-02.

Conditions:
SYNE2-related disorder. Also called: SYNE2-related condition.
Emery-Dreifuss muscular dystrophy 5, autosomal dominant (EDMD5). Also called: EMERY-DREIFUSS MUSCULAR DYSTROPHY 5. Identifiers: Orphanet 261, MedGen C2751805, MONDO:0013072, OMIM 612999.

Allele frequency attached by ClinVar (database versions not stated): gnomAD 0.00021 and 0.00026; TOPMed 0.00032; gnomAD exomes 0.00038 and 0.00053; 1000 Genomes Project 30x 0.00047; 1000 Genomes Project 0.00060; ExAC 0.00065.
gnomAD v4.1: 579 of 1,612,932 alleles (0.036%); highest among the groups gnomAD compares: East Asian, 1.1%; 4 homozygotes.

Submissions (4):

Labcorp Genetics (formerly Invitae), Labcorp
Classification: Likely benign for Emery-Dreifuss muscular dystrophy 5, autosomal dominant. Last evaluated: 2026-01-02. Review status: criteria provided, single submitter. Criteria: Invitae Variant Classification Sherloc (09022015). Collection method: clinical testing. Allele origin: germline.

Athena Diagnostics
Classification: Benign. Last evaluated: 2025-02-06. Review status: criteria provided, single submitter. Criteria: Athena Diagnostics Criteria. Collection method: clinical testing. Allele origin: unknown.
Comment: The frequency of this variant in the general population is higher than would generally be expected for pathogenic variants in this gene. Computational tools predict this amino acid change may be benign.

Illumina Laboratory Services, Illumina
Classification: Benign for Emery-Dreifuss muscular dystrophy 5, autosomal dominant. Last evaluated: 2018-01-13. Review status: criteria provided, single submitter. Criteria: ICSL Variant Classification Criteria 13 December 2019. Collection method: clinical testing. Allele origin: germline.
Comment: This variant was observed in the ICSL laboratory as part of a predisposition screen in an ostensibly healthy population. It had not been previously curated by ICSL or reported in the Human Gene Mutation Database (HGMD: prior to June 1st, 2018), and was therefore a candidate for classification through an automated scoring system. Utilizing variant allele frequency, disease prevalence and penetrance estimates, and inheritance mode, an automated score was calculated to assess if this variant is too frequent to cause the disease. Based on the score and internal cut-off values, a variant classified as benign is not then subjected to further curation. The score for this variant resulted in a classification of benign for this disease.

PreventionGenetics, part of Exact Sciences
Classification: Benign for SYNE2-related condition. Last evaluated: 2019-10-30. Review status: no assertion criteria provided. Collection method: clinical testing. Allele origin: germline. Not counted in ClinVar's aggregate classification.
Comment: This variant is classified as benign based on ACMG/AMP sequence variant interpretation guidelines (Richards et al. 2015 PMID: 25741868, with internal and published modifications).

Literature cited by the submitters: PubMed 37007936 (cited by Athena Diagnostics); PubMed 32508047 (cited by Athena Diagnostics); PubMed 38903536 (cited by Athena Diagnostics); PubMed 26986070 (cited by Athena Diagnostics).

NM_182914.3(SYNE2):c.22C>T (p.Pro8Ser)

Gene: SYNE2 (spectrin repeat containing nuclear envelope protein 2; plus strand). Cytogenetic location: 14q23.2.
Variant type: single nucleotide variant.
Coding change: c.22C>T on transcript NM_182914.3 (MANE Select); coding-DNA position 22, C replaced by T.
Protein change: p.Pro8Ser; replaces proline 8 with serine.
Molecular consequence: missense variant.
Genome position (GRCh38, 1-based): chr14:63,909,170, C>T. VCF-style: chr14-63909170-C-T. GRCh37 (hg19) VCF-style: chr14-64375888-C-T.
Other names: c.22C>T, p.Pro8Ser (NM_015180.6); short protein forms P8S.
Identifiers: ClinVar variation 313482 (VCV000313482.18), dbSNP rs2275017, ClinGen allele CA7218962.
Genomic context (GRCh38, chr14:63,909,170, plus strand): 5'-ACTGAGATGGACATGATATAATCTCCATTGAGTCAAAGAATGGCATCTAGTCCTGAGCTT[C>T]CCACCGAAGATGAACAGGGTTCCTGGGGCATCGACGATCTCCATATTTCATTGCAAGGTA-3'
Protein context (NP_878918.2, residues 1-18): MASSPEL[Pro8Ser]TEDEQGSWGI